The following is an entry in ClinVar:

ClinVar aggregate classification (germline): Benign/Likely benign. Review status: criteria provided, multiple submitters, no conflicts (2 of 4 stars). 5 submissions from 5 submitters: Benign (1); Likely benign (4). Last evaluated 2026-01-14.

Conditions:
Glycogen storage disease IXb (GSD9B). Also called: GLYCOGENOSIS OF LIVER AND MUSCLE, AUTOSOMAL RECESSIVE; GSD IXb; PHOSPHORYLASE KINASE DEFICIENCY OF LIVER AND MUSCLE, AUTOSOMAL RECESSIVE. Identifiers: Orphanet 79240, MedGen C0543514, MONDO:0009868, OMIM 261750.

Allele frequency attached by ClinVar (database versions not stated): gnomAD 0.00029 and 0.00041; TOPMed 0.00047; ExAC 0.00073; 1000 Genomes Project 30x 0.00141; 1000 Genomes Project 0.00160.
gnomAD v4.1: 555 of 1,613,390 alleles (0.034%); highest among the groups gnomAD compares: East Asian, 1.1%; 5 homozygotes.

Submissions (5):

Labcorp Genetics (formerly Invitae), Labcorp
Classification: Benign for Glycogen storage disease IXb. Last evaluated: 2026-01-14. Review status: criteria provided, single submitter. Criteria: Invitae Variant Classification Sherloc (09022015). Collection method: clinical testing. Allele origin: germline.

Blueprint Genetics
Classification: Likely benign. Last evaluated: 2024-11-27. Review status: criteria provided, single submitter. Criteria: ACMG Guidelines, 2015. Collection method: clinical testing. Allele origin: germline.

CeGaT Center for Human Genetics Tuebingen
Classification: Likely benign. Last evaluated: 2022-06-01. Review status: criteria provided, single submitter. Criteria: CeGaT Center For Human Genetics Tuebingen Variant Classification Criteria Version 2. Collection method: clinical testing. Allele origin: germline. Affected: yes. Observed: 1 variant allele.
Comment: PHKB: BP4, BP7

GeneDx
Classification: Likely benign. Last evaluated: 2018-03-02. Review status: criteria provided, single submitter. Criteria: GeneDx Variant Classification (06012015). Collection method: clinical testing. Allele origin: germline. Affected: yes.
Comment: This variant is considered likely benign or benign based on one or more of the following criteria: it is a conservative change, it occurs at a poorly conserved position in the protein, it is predicted to be benign by multiple in silico algorithms, and/or has population frequency not consistent with disease.

Illumina Laboratory Services, Illumina
Classification: Likely benign for Glycogen storage disease IXb. Last evaluated: 2018-01-12. Review status: criteria provided, single submitter. Criteria: ICSL Variant Classification Criteria 13 December 2019. Collection method: clinical testing. Allele origin: germline.
Comment: This variant was observed in the ICSL laboratory as part of a predisposition screen in an ostensibly healthy population. It had not been previously curated by ICSL or reported in the Human Gene Mutation Database (HGMD: prior to June 1st, 2018), and was therefore a candidate for classification through an automated scoring system. Utilizing variant allele frequency, disease prevalence and penetrance estimates, and inheritance mode, an automated score was calculated to assess if this variant is too frequent to cause the disease. Based on the score and internal cut-off values, a variant classified as likely benign is not then subjected to further curation. The score for this variant resulted in a classification of likely benign for this disease.

NM_000293.3(PHKB):c.2433T>G (p.Thr811=)

Gene: PHKB (phosphorylase kinase regulatory subunit beta; plus strand). Cytogenetic location: 16q12.1.
Variant type: single nucleotide variant.
Coding change: c.2433T>G on transcript NM_000293.3 (MANE Select); coding-DNA position 2433, T replaced by G.
Protein change: p.Thr811=; no amino-acid change (threonine 811 retained).
Molecular consequence: synonymous variant.
Genome position (GRCh38, 1-based): chr16:47,669,220, T>G. VCF-style: chr16-47669220-T-G. GRCh37 (hg19) VCF-style: chr16-47703131-T-G.
Other names: c.2412T>G, p.Thr804= (NM_001031835.3); c.2433T>G, p.Thr811= (NM_001363837.1).
Identifiers: ClinVar variation 319356 (VCV000319356.36), dbSNP rs187940556, ClinGen allele CA8041255.